The following is an entry in ClinVar:

ClinVar aggregate classification (germline): Likely benign (0 of 4 stars; one submission).

Conditions:
ANK1-related disorder. Also called: ANK1-related condition.

Allele frequency attached by ClinVar (database versions not stated): gnomAD exomes below 0.00001; ExAC 0.00001; TOPMed 0.00002.
gnomAD v4.1: 6 of 1,614,000 alleles (0.00037%); highest among the groups gnomAD compares: Non-Finnish European, 0.00051%; no homozygotes.

Submission:

PreventionGenetics, part of Exact Sciences
Classification: Likely benign for ANK1-related condition. Last evaluated: 2022-04-20. Review status: no assertion criteria provided. Collection method: clinical testing. Allele origin: germline.
Comment: This variant is classified as likely benign based on ACMG/AMP sequence variant interpretation guidelines (Richards et al. 2015 PMID: 25741868, with internal and published modifications).

NM_000037.4(ANK1):c.2757T>A (p.Val919=)

Gene: ANK1 (ankyrin 1; minus strand). Cytogenetic location: 8p11.21.
Variant type: single nucleotide variant.
Coding change: c.2757T>A on transcript NM_000037.4 (MANE Select); coding-DNA position 2757, T replaced by A.
Protein change: p.Val919=; no amino-acid change (valine 919 retained).
Molecular consequence: synonymous variant.
Genome position (GRCh38, 1-based): chr8:41,696,566, A>T on the plus strand (T>A on the coding strand, the complement: ANK1 is on the minus strand). VCF-style: chr8-41696566-A-T. GRCh37 (hg19) VCF-style: chr8-41554084-A-T.
Other names: c.2880T>A, p.Val960= (NM_001142446.2); c.2757T>A, p.Val919= (NM_020475.3, NM_020476.3, NM_020477.3).
Identifiers: ClinVar variation 3050704 (VCV003050704.2), dbSNP rs773245330, ClinGen allele CA4728091.